The following is an entry in ClinVar:

NC_000017.10:g.(?_59477203)_(59486828_?)dup

Gene: TBX2 (T-box transcription factor 2; plus strand). Cytogenetic location: 17q23.2.
Variant type: Duplication.
Identifiers: ClinVar variation 4853677 (VCV004853677.1).

ClinVar aggregate classification (germline): Uncertain significance (1 of 4 stars; one submission).

Submission:

Women's Health and Genetics/Laboratory Corporation of America, LabCorp
Classification: Uncertain significance. Last evaluated: 2026-05-26. Review status: criteria provided, single submitter. Criteria: LabCorp Variant Classification Summary - May 2015. Collection method: clinical testing. Allele origin: germline.
Comment: Variant summary: The variant involves the duplication of exons 1-7 in the TBX2 gene. A presumed nomenclature of c.(?_-335)_(*961_?)dup has been designated for the purposes of this classification. This duplication includes the entire coding sequence of the gene. As exact breakpoints are unknown, it may extend beyond the annotated region of the gene, to include other flanking genes. A large duplication variant (size: ~17,64 kb) which covers the TBX2 gene was found at a frequency of 6.5e-06 in 462879 control chromosomes in the gnomAD database (CNVs v4.1 dataset). In addition, larger copy number gains were also found in this region, including the known chromosome 17q23.1q23.2 microduplication that has been reported in the literature. The available data on variant occurrences in the general population are insufficient to allow any conclusion about variant significance. A large duplication (~130 kb) which included the TBX2 gene (without the neighboring TBX4 gene) has been observed in an individual affected with heart defects and skeletal malformations (Radio_2010). In addition, the recurrent 17q23.1q23.2 microduplication (~2.1 Mb; which includes the TBX2 and TBX4 genes) has been observed in multiple individuals affected with clubfoot or hip dysplasia and additional musculoskeletal findings, however it was also found in unaffected family members, suggesting a reduced penetrance (e.g. Alvarado_2010, Peterson_2014). These data do not allow clear conclusions about variant significance. To our knowledge, no experimental evidence demonstrating an impact on protein function has been reported. The following publications have been ascertained in the context of this evaluation (PMID: 20635360, 20598276, 24592505). No submitters have cited clinical-significance assessments for TBX2 gene duplication in isolation in ClinVar. Based on the evidence outlined above, the variant was classified as uncertain significance.

Literature cited by the submitters: PubMed 20598276; PubMed 24592505; PubMed 20635360.